The following is an entry in ClinVar:

ClinVar aggregate classification (germline): Conflicting classifications of pathogenicity. Review status: criteria provided, conflicting classifications (1 of 4 stars). 7 submissions from 3 submitters: Uncertain significance (3); Benign (2); Likely benign (2). Last evaluated 2025-10-27.

Conditions:
Dilated cardiomyopathy 1G (CMD1G). Identifiers: Orphanet 154, MedGen C1858763, MONDO:0011400, OMIM 604145.
Autosomal recessive limb-girdle muscular dystrophy type 2J (LGMDR10). Also called: MUSCULAR DYSTROPHY, LIMB-GIRDLE, AUTOSOMAL RECESSIVE 10; Limb-girdle muscular dystrophy, type 2J. Identifiers: Orphanet 140922, MedGen C1837342, MONDO:0012127, OMIM 608807.
Early-onset myopathy with fatal cardiomyopathy (CMYO5). Also called: CONGENITAL MYOPATHY 5 WITH CARDIOMYOPATHY; Salih Myopathy. Identifiers: Orphanet 289377, MedGen C2673677, MONDO:0012714, OMIM 611705. Disease mechanism: loss of function.
Tibial muscular dystrophy (TMD). Also called: Udd Distal Myopathy – Tibial Muscular Dystrophy; UDD MYOPATHY; Tibial muscular dystrophy, tardive. Identifiers: Orphanet 609, MedGen C1838244, MONDO:0010870, OMIM 600334.
Myopathy, myofibrillar, 9, with early respiratory failure (MFM9). Also called: Myopathy, distal, with early respiratory failure, autosomal dominant; Hereditary myopathy with early respiratory failure; EDSTROM MYOPATHY; MYOPATHY, PROXIMAL, WITH EARLY RESPIRATORY MUSCLE INVOLVEMENT. Identifiers: Orphanet 178464, Orphanet 34521, MedGen C1863599, MONDO:0011362, OMIM 603689.

Allele frequency attached by ClinVar (database versions not stated): gnomAD 0.00001; gnomAD exomes 0.00001 and 0.00004; TOPMed 0.00002; ExAC 0.00003.
gnomAD v4.1: 13 of 1,612,810 alleles (0.00081%); highest among the groups gnomAD compares: East Asian, 0.027%; no homozygotes.

Submissions (7):

Labcorp Genetics (formerly Invitae), Labcorp
Classification: Likely benign for Dilated cardiomyopathy 1G; Autosomal recessive limb-girdle muscular dystrophy type 2J. Last evaluated: 2025-10-27. Review status: criteria provided, single submitter. Criteria: Invitae Variant Classification Sherloc (09022015). Collection method: clinical testing. Allele origin: germline.

Illumina Laboratory Services, Illumina
Classification: Uncertain significance for Dilated cardiomyopathy 1G. Last evaluated: 2018-01-12. Review status: criteria provided, single submitter. Criteria: ICSL Variant Classification Criteria 13 December 2019. Collection method: clinical testing. Allele origin: germline.

Illumina Laboratory Services, Illumina
Classification: Benign for Tibial muscular dystrophy. Last evaluated: 2018-01-12. Review status: criteria provided, single submitter. Criteria: ICSL Variant Classification Criteria 13 December 2019. Collection method: clinical testing. Allele origin: germline.
Comment: This variant was observed in the ICSL laboratory as part of a predisposition screen in an ostensibly healthy population. It had not been previously curated by ICSL or reported in the Human Gene Mutation Database (HGMD: prior to June 1st, 2018), and was therefore a candidate for classification through an automated scoring system. Utilizing variant allele frequency, disease prevalence and penetrance estimates, and inheritance mode, an automated score was calculated to assess if this variant is too frequent to cause the disease. Based on the score and internal cut-off values, a variant classified as benign is not then subjected to further curation. The score for this variant resulted in a classification of benign for this disease.

Illumina Laboratory Services, Illumina
Classification: Uncertain significance for Early-onset myopathy with fatal cardiomyopathy. Last evaluated: 2018-01-12. Review status: criteria provided, single submitter. Criteria: ICSL Variant Classification Criteria 13 December 2019. Collection method: clinical testing. Allele origin: germline.

Illumina Laboratory Services, Illumina
Classification: Benign for Myopathy, myofibrillar, 9, with early respiratory failure. Last evaluated: 2018-01-12. Review status: criteria provided, single submitter. Criteria: ICSL Variant Classification Criteria 13 December 2019. Collection method: clinical testing. Allele origin: germline.
Comment: the same text as in the submission from Illumina Laboratory Services, Illumina above.

Illumina Laboratory Services, Illumina
Classification: Uncertain significance for Autosomal recessive limb-girdle muscular dystrophy type 2J. Last evaluated: 2018-01-12. Review status: criteria provided, single submitter. Criteria: ICSL Variant Classification Criteria 13 December 2019. Collection method: clinical testing. Allele origin: germline.

GeneDx
Classification: Likely benign. Last evaluated: 2017-01-26. Review status: criteria provided, single submitter. Criteria: GeneDx Variant Classification (06012015). Collection method: clinical testing. Allele origin: germline. Affected: yes.
Comment: This variant is considered likely benign or benign based on one or more of the following criteria: it is a conservative change, it occurs at a poorly conserved position in the protein, it is predicted to be benign by multiple in silico algorithms, and/or has population frequency not consistent with disease.

NM_001267550.2(TTN):c.39044-15C>T

Gene: TTN (titin; minus strand). Cytogenetic location: 2q31.2.
Variant type: single nucleotide variant.
Coding change: c.39044-15C>T on transcript NM_001267550.2 (MANE Select); 15 bases into the intron before coding-DNA position 39044, C replaced by T.
Molecular consequence: intron variant.
Genome position (GRCh38, 1-based): chr2:178,652,556, G>A on the plus strand (C>T on the coding strand, the complement: TTN is on the minus strand). VCF-style: chr2-178652556-G-A. GRCh37 (hg19) VCF-style: chr2-179517283-G-A.
Other names: c.31742-15C>T (NM_133378.4); c.13283-10239C>T (NM_003319.4); c.13859-10239C>T (NM_133437.4); c.13658-10239C>T (NM_133432.3); c.34523-15C>T (NM_001256850.1).
Identifiers: ClinVar variation 332879 (VCV000332879.9), dbSNP rs749495580, ClinGen allele CA1996887.